The following is an entry in ClinVar:

NM_000245.4(MET):c.2483C>A (p.Ser828Tyr)

Gene: MET (MET proto-oncogene, receptor tyrosine kinase; plus strand). Cytogenetic location: 7q31.2.
Variant type: single nucleotide variant.
Coding change: c.2483C>A on transcript NM_000245.4 (MANE Select); coding-DNA position 2483, C replaced by A.
Protein change: p.Ser828Tyr; replaces serine 828 with tyrosine.
Molecular consequence: missense variant.
Genome position (GRCh38, 1-based): chr7:116,763,168, C>A. VCF-style: chr7-116763168-C-A. GRCh37 (hg19) VCF-style: chr7-116403222-C-A.
Other names: c.2537C>A, p.Ser846Tyr (NM_001127500.3); c.2483C>A, p.Ser828Tyr (NM_001324401.3); c.1193C>A, p.Ser398Tyr (NM_001324402.2); short protein forms S828Y, S846Y, S398Y.
Identifiers: ClinVar variation 1792770 (VCV001792770.2), dbSNP rs2116955919, ClinGen allele CA368983367.

ClinVar aggregate classification (germline): Uncertain significance (1 of 4 stars; one submission).

Conditions:
Hereditary cancer-predisposing syndrome. Also called: Tumor predisposition; Hereditary Cancer Syndrome; Neoplastic Syndromes, Hereditary; Hereditary neoplastic syndrome. Identifiers: Orphanet 140162, MedGen C0027672, MeSH D009386, MONDO:0015356.

gnomAD v4.1: 4 of 1,614,016 alleles (0.00025%); highest among the groups gnomAD compares: Non-Finnish European, 0.00025%; no homozygotes.

Submission:

Ambry Genetics
Classification: Uncertain significance for Hereditary cancer-predisposing syndrome. Last evaluated: 2021-01-20. Review status: criteria provided, single submitter. Criteria: Ambry Variant Classification Scheme 2023. Collection method: clinical testing. Allele origin: germline.
Comment: The p.S846Y variant (also known as c.2537C>A), located in coding exon 10 of the MET gene, results from a C to A substitution at nucleotide position 2537. The serine at codon 846 is replaced by tyrosine, an amino acid with dissimilar properties. This amino acid position is highly conserved in available vertebrate species. In addition, the in silico prediction for this alteration is inconclusive. Since supporting evidence is limited at this time, the clinical significance of this alteration remains unclear.